The following is an entry in ClinVar:

NM_015335.5(MED13L):c.319dup (p.Glu107fs)

Gene: MED13L (mediator complex subunit 13L; minus strand). Cytogenetic location: 12q24.21.
Variant type: Duplication.
Coding change: c.319dup on transcript NM_015335.5 (MANE Select); coding-DNA position 319, one base duplicated (G; older notation c.319dupG).
Protein change: p.Glu107fs; shifts the reading frame from glutamic acid 107.
Molecular consequence: frameshift variant.
Genome position (GRCh38, 1-based): chr12:116,111,504, C duplicated on the plus strand (G on the coding strand, the reverse complement: MED13L is on the minus strand). VCF-style (leftmost placement, unchanged base first): chr12-116111503-T-TC. GRCh37 (hg19) VCF-style: chr12-116549308-T-TC.
Other names: short protein forms E107fs.
Identifiers: ClinVar variation 1701743 (VCV001701743.1), dbSNP rs2137899583, ClinGen allele CA2580085850.

ClinVar aggregate classification (germline): Pathogenic (1 of 4 stars; one submission).

Conditions:
Cardiac anomalies - developmental delay - facial dysmorphism syndrome (MRFACD). Also called: Impaired intellectual development and distinctive facial features with or without cardiac defects; MED13L Syndrome. Identifiers: Orphanet 369891, MedGen C5192431, MONDO:0014773, OMIM 616789.

Submission:

New York Genome Center
Classification: Pathogenic for Cardiac anomalies - developmental delay - facial dysmorphism syndrome. Last evaluated: 2021-09-17. Review status: criteria provided, single submitter. Criteria: NYGC Assertion Criteria 2020. Collection method: clinical testing. Allele origin: de novo. Affected: yes. Observed: 1 heterozygote. Study: CSER-NYCKidSeq.
Comment: The frameshift de novo variant c.319dup (p.Glu107GlyfsTer11) identified in the MED13L gene has not been reported in affected individuals in the literature. The variant causes a frameshift and creates a premature stop codon downstream. This variant is predicted to cause loss of normal protein function either through protein truncation or nonsense-mediated mRNA decay. The variant is absent from gnomAD(v3) database suggesting it is not a common benign variant in the populations represented in that database. Based on the available evidence, the frameshift de novo variant c.319dup (p.Glu107GlyfsTer11) identified in the MED13L gene is reported as pathogenic.